The following is an entry in ClinVar:

NM_012154.5(AGO2):c.2442G>A (p.Arg814=)

Gene: AGO2 (argonaute RISC catalytic component 2; minus strand). Cytogenetic location: 8q24.3.
Variant type: single nucleotide variant.
Coding change: c.2442G>A on transcript NM_012154.5 (MANE Select); coding-DNA position 2442, G replaced by A.
Protein change: p.Arg814=; no amino-acid change (arginine 814 retained).
Molecular consequence: synonymous variant.
Genome position (GRCh38, 1-based): chr8:140,532,445, C>T on the plus strand (G>A on the coding strand, the complement: AGO2 is on the minus strand). VCF-style: chr8-140532445-C-T. GRCh37 (hg19) VCF-style: chr8-141542544-C-T.
Other names: c.2340G>A, p.Arg780= (NM_001164623.3).
Identifiers: ClinVar variation 4872579 (VCV004872579.2).

ClinVar aggregate classification (germline): Likely benign (1 of 4 stars; one submission).

gnomAD v4.1: 863 of 1,614,074 alleles (0.053%); highest among the groups gnomAD compares: South Asian, 0.85%; 7 homozygotes.

Submission:

CeGaT Center for Human Genetics Tuebingen
Classification: Likely benign. Last evaluated: 2026-06-01. Review status: criteria provided, single submitter. Criteria: CeGaT Center For Human Genetics Tuebingen Variant Classification Criteria Version 2. Collection method: clinical testing. Allele origin: germline. Affected: yes. Observed: 1 variant allele.
Comment: AGO2: BP4, BP7